The following is an entry in ClinVar:

ClinVar aggregate classification (germline): Uncertain significance (1 of 4 stars; one submission).

Conditions:
DICER1-related tumor predisposition. Also called: DICER1 syndrome; DICER1-related pleuropulmonary blastoma cancer predisposition syndrome. Identifiers: Orphanet 284343, MedGen C3839822, MONDO:0100216.

Submission:

Labcorp Genetics (formerly Invitae), Labcorp
Classification: Uncertain significance for DICER1-related tumor predisposition. Last evaluated: 2025-07-24. Review status: criteria provided, single submitter. Criteria: Invitae Variant Classification Sherloc (09022015). Collection method: clinical testing. Allele origin: germline.
Comment: This sequence change falls in intron 8 of the DICER1 gene. It does not directly change the encoded amino acid sequence of the DICER1 protein. It affects a nucleotide within the consensus splice site. This variant is not present in population databases (gnomAD no frequency). This variant has not been reported in the literature in individuals affected with DICER1-related conditions. Variants that disrupt the consensus splice site are a relatively common cause of aberrant splicing (PMID: 17576681, 9536098). Algorithms developed to predict the effect of sequence changes on RNA splicing suggest that this variant is not likely to affect RNA splicing. In summary, the available evidence is currently insufficient to determine the role of this variant in disease. Therefore, it has been classified as a Variant of Uncertain Significance.

Literature cited by the submitters: PubMed 17576681; PubMed 9536098.

NM_177438.3(DICER1):c.1376+5A>G

Gene: DICER1 (dicer 1, ribonuclease III; minus strand). Cytogenetic location: 14q32.13.
Variant type: single nucleotide variant.
Coding change: c.1376+5A>G on transcript NM_177438.3 (MANE Select); 5 bases into the intron after coding-DNA position 1376, A replaced by G.
Molecular consequence: intron variant. On other transcripts: 3 prime UTR variant (1).
Genome position (GRCh38, 1-based): chr14:95,124,191, T>C on the plus strand (A>G on the coding strand, the complement: DICER1 is on the minus strand). VCF-style: chr14-95124191-T-C. GRCh37 (hg19) VCF-style: chr14-95590528-T-C.
Other names: c.*1A>G (NM_001395700.1); c.1376+5A>G (NM_001291628.2, NM_030621.4, NM_001395677.1 and 13 more transcripts); c.971+5A>G (NM_001395690.1, NM_001395687.1, NM_001395689.1 and 3 more transcripts); c.1094+5A>G (NM_001395686.1); c.809+5A>G (NM_001395691.1); c.-193+5A>G (NM_001395697.1).
Identifiers: ClinVar variation 4723955 (VCV004723955.1).